The following is an entry in ClinVar:

ClinVar aggregate classification (germline): Pathogenic (1 of 4 stars; one submission).

Conditions:
Congenital microvillous atrophy (DIAR2). Also called: MICROVILLUS ATROPHY, CONGENITAL; Diarrhea 2 with microvillus atrophy, with or without cholestasis; Microvillus inclusion disease; CONGENITAL FAMILIAL PROTRACTED DIARRHEA WITH ENTEROCYTE BRUSH-BORDER ABNORMALITIES; DAVIDSON DISEASE. Identifiers: Orphanet 2290, MedGen C0341306, MONDO:0009635, OMIM 251850.

Submission:

Laboratorio de Genetica e Diagnostico Molecular, Hospital Israelita Albert Einstein
Classification: Pathogenic for Congenital microvillous atrophy. Last evaluated: 2023-02-01. Review status: criteria provided, single submitter. Criteria: ACMG Guidelines, 2015. Collection method: clinical testing. Allele origin: germline. Affected: yes. Observed: 1 variant allele.
Comment: ACMG classification criteria: PVS1 very strong, PM2 moderated, PM3 moderated

NM_001080467.3(MYO5B):c.1110_1113del (p.Ser370fs)

Gene: MYO5B (myosin VB; minus strand). Cytogenetic location: 18q21.1.
Variant type: Deletion.
Coding change: c.1110_1113del on transcript NM_001080467.3 (MANE Select); coding-DNA positions 1110 to 1113, 4 bases deleted (TCAG; older notation c.1110_1113delTCAG).
Protein change: p.Ser370fs; shifts the reading frame from serine 370.
Molecular consequence: frameshift variant.
Genome position (GRCh38, 1-based): chr18:49,974,559-49,974,562, CTGA deleted on the plus strand (TCAG on the coding strand, the reverse complement: MYO5B is on the minus strand); deleting any 4 consecutive bases within chr18:49,974,559-49,974,565 gives the same sequence; the c. name uses the placement nearest the transcript's 3' end. VCF-style (leftmost placement, unchanged base first): chr18-49974558-TCTGA-T. GRCh37 (hg19) VCF-style: chr18-47500928-TCTGA-T.
Other names: short protein forms S370fs.
Identifiers: ClinVar variation 2431612 (VCV002431612.1), dbSNP rs2025724709, ClinGen allele CA2302477599.
Genomic context (GRCh38, chr18:49,974,558, plus strand): 5'-TGGTCTTGACGTAGGTCTCCGAGGTGGTGACCAGCTTGCGATGACACAGCCAGTGCTCCA[TCTGA>T]CTGTGCTCCACCCCTAGCAGTCGGCAGAAGTTGCTTAGGTATACATCCTGGGGCTGTGGG-3'